The following is an entry in ClinVar:

ClinVar aggregate classification (germline): Likely benign. Review status: criteria provided, multiple submitters, no conflicts (2 of 4 stars). 2 submissions from 2 submitters: Likely benign (2). Last evaluated 2025-05-07.

Conditions:
Tuberous sclerosis 2 (TSC2). Identifiers: Orphanet 805, MedGen C1860707, MONDO:0013199, OMIM 613254.

gnomAD v4.1: 5 of 1,611,706 alleles (0.00031%); highest among the groups gnomAD compares: Non-Finnish European, 0.00042%; no homozygotes.

Submissions (2):

Myriad Genetics, Inc.
Classification: Likely benign for Tuberous sclerosis 2. Last evaluated: 2025-05-07. Review status: criteria provided, single submitter. Criteria: Myriad Autosomal Dominant, Autosomal Recessive and X-Linked Classification Criteria (2023). Collection method: clinical testing. Allele origin: unknown.
Comment: This variant is considered likely benign. This variant is intronic and is not expected to impact mRNA splicing.

Labcorp Genetics (formerly Invitae), Labcorp
Classification: Likely benign for Tuberous sclerosis 2. Last evaluated: 2025-03-02. Review status: criteria provided, single submitter. Criteria: Invitae Variant Classification Sherloc (09022015). Collection method: clinical testing. Allele origin: germline.

NM_000548.5(TSC2):c.482-13G>T

Gene: TSC2 (TSC complex subunit 2; plus strand). Cytogenetic location: 16p13.3.
Variant type: single nucleotide variant.
Coding change: c.482-13G>T on transcript NM_000548.5 (MANE Select); 13 bases into the intron before coding-DNA position 482, G replaced by T.
Molecular consequence: intron variant.
Genome position (GRCh38, 1-based): chr16:2,055,389, G>T. VCF-style: chr16-2055389-G-T. GRCh37 (hg19) VCF-style: chr16-2105390-G-T.
Other names: c.482-13G>T (NM_001114382.3, NM_021055.3, NM_001370405.1 and 3 more transcripts); c.371-13G>T (NM_001318827.2); c.-1-807G>T (NM_001318831.2); c.335-13G>T (NM_001318829.2); c.515-13G>T (NM_001318832.2).
Identifiers: ClinVar variation 2150895 (VCV002150895.5), dbSNP rs1221885368, ClinGen allele CA2575877487.